The following is an entry in ClinVar:

NM_005431.2(XRCC2):c.282A>G (p.Thr94=)

Gene: XRCC2 (X-ray repair cross complementing 2; minus strand). Cytogenetic location: 7q36.1.
Variant type: single nucleotide variant.
Coding change: c.282A>G on transcript NM_005431.2 (MANE Select); coding-DNA position 282, A replaced by G.
Protein change: p.Thr94=; no amino-acid change (threonine 94 retained).
Molecular consequence: synonymous variant.
Genome position (GRCh38, 1-based): chr7:152,649,203, T>C on the plus strand (A>G on the coding strand, the complement: XRCC2 is on the minus strand). VCF-style: chr7-152649203-T-C. GRCh37 (hg19) VCF-style: chr7-152346288-T-C.
Other names: p.T94T:ACA>ACG.
Identifiers: ClinVar variation 137930 (VCV000137930.16), dbSNP rs376598559, ClinGen allele CA291644.

ClinVar aggregate classification (germline): Benign/Likely benign. Review status: criteria provided, multiple submitters, no conflicts (2 of 4 stars). 3 submissions from 3 submitters: Benign (1); Likely benign (2). Last evaluated 2025-07-10.

Conditions:
Hereditary cancer-predisposing syndrome. Also called: Neoplastic Syndromes, Hereditary; Hereditary Cancer Syndrome; Tumor predisposition; Hereditary neoplastic syndrome. Identifiers: Orphanet 140162, MedGen C0027672, MeSH D009386, MONDO:0015356.

Allele frequency attached by ClinVar (database versions not stated): ExAC 0.00002; gnomAD exomes 0.00004 and 0.00016; gnomAD 0.00006 and 0.00007; TOPMed 0.00007; ESP Exome Variant Server 0.00015.
gnomAD v4.1: 236 of 1,613,734 alleles (0.015%); highest among the groups gnomAD compares: Non-Finnish European, 0.019%; no homozygotes.

Submissions (3):

Labcorp Genetics (formerly Invitae), Labcorp
Classification: Likely benign. Last evaluated: 2025-07-10. Review status: criteria provided, single submitter. Criteria: Invitae Variant Classification Sherloc (09022015). Collection method: clinical testing. Allele origin: germline.

Ambry Genetics
Classification: Likely benign for Hereditary cancer-predisposing syndrome. Last evaluated: 2017-02-17. Review status: criteria provided, single submitter. Criteria: Ambry Variant Classification Scheme 2023. Collection method: clinical testing. Allele origin: germline.

GeneDx
Classification: Benign. Last evaluated: 2014-01-16. Review status: criteria provided, single submitter. Criteria: GeneDx Variant Classification (06012015). Collection method: clinical testing. Allele origin: germline. Affected: yes.
Comment: This variant is considered likely benign or benign based on one or more of the following criteria: it is a conservative change, it occurs at a poorly conserved position in the protein, it is predicted to be benign by multiple in silico algorithms, and/or has population frequency not consistent with disease.